The following is an entry in ClinVar:

ClinVar aggregate classification (germline): Uncertain significance (1 of 4 stars; one submission).

Conditions:
Charcot-Marie-Tooth disease axonal type 2C (HMSN2C). Also called: CHARCOT-MARIE-TOOTH DISEASE, AXONAL, AUTOSOMAL DOMINANT, TYPE 2C; Charcot-Marie-Tooth Neuropathy Type 2C; Charcot-Marie-Tooth Disease Type 2, TRPV4-Related (CMT2C). Identifiers: Orphanet 99937, MedGen C1853710, MONDO:0011633, OMIM 606071.

Submission:

Labcorp Genetics (formerly Invitae), Labcorp
Classification: Uncertain significance for Charcot-Marie-Tooth disease axonal type 2C. Last evaluated: 2022-04-20. Review status: criteria provided, single submitter. Criteria: Invitae Variant Classification Sherloc (09022015). Collection method: clinical testing. Allele origin: germline.
Comment: This sequence change creates a premature translational stop signal (p.Glu247Alafs*16) in the TRPV4 gene. It is expected to result in an absent or disrupted protein product. However, the current clinical and genetic evidence is not sufficient to establish whether loss-of-function variants in TRPV4 cause disease. This variant is not present in population databases (gnomAD no frequency). This variant has not been reported in the literature in individuals affected with TRPV4-related conditions. In summary, the available evidence is currently insufficient to determine the role of this variant in disease. Therefore, it has been classified as a Variant of Uncertain Significance.

NM_021625.5(TRPV4):c.740_741del (p.Glu247fs)

Gene: TRPV4 (transient receptor potential cation channel subfamily V member 4; minus strand). Cytogenetic location: 12q24.11.
Variant type: Deletion.
Coding change: c.740_741del on transcript NM_021625.5 (MANE Select); coding-DNA positions 740 to 741, 2 bases deleted (AG; older notation c.740_741delAG).
Protein change: p.Glu247fs; shifts the reading frame from glutamic acid 247.
Molecular consequence: frameshift variant. On other transcripts: intron variant (2).
Genome position (GRCh38, 1-based): chr12:109,800,730-109,800,731, CT deleted on the plus strand (AG on the coding strand, the reverse complement: TRPV4 is on the minus strand); deleting any 2 consecutive bases within chr12:109,800,730-109,800,732 gives the same sequence; the c. name uses the placement nearest the transcript's 3' end. VCF-style (leftmost placement, unchanged base first): chr12-109800729-GCT-G. GRCh37 (hg19) VCF-style: chr12-110238534-GCT-G.
Other names: c.637_638delGA, p.Glu213Alafs (NM_001177431.2); c.739_740delGA, p.Glu247Alafs (NM_147204.3); c.713-1819_713-1818del (NM_001177433.1, NM_001177428.1); short protein forms E213fs, E247fs.
Identifiers: ClinVar variation 2128293 (VCV002128293.4), dbSNP rs2548757648, ClinGen allele CA2575286530.